The following is an entry in ClinVar:

NM_173551.5(ANKS6):c.565C>G (p.Pro189Ala)

Gene: ANKS6 (ankyrin repeat and sterile alpha motif domain containing 6; minus strand). Cytogenetic location: 9q22.33.
Variant type: single nucleotide variant.
Coding change: c.565C>G on transcript NM_173551.5 (MANE Select); coding-DNA position 565, C replaced by G.
Protein change: p.Pro189Ala; replaces proline 189 with alanine.
Molecular consequence: missense variant.
Genome position (GRCh38, 1-based): chr9:98,790,401, G>C on the plus strand (C>G on the coding strand, the complement: ANKS6 is on the minus strand). VCF-style: chr9-98790401-G-C. GRCh37 (hg19) VCF-style: chr9-101552683-G-C.
Other names: p.Pro189Ala; c.565C>G (NM_173551.3); short protein forms P189A.
Identifiers: ClinVar variation 1026632 (VCV001026632.7), dbSNP rs199653685, ClinGen allele CA5153813.
Genomic context (GRCh38, chr9:98,790,401, plus strand): 5'-GACGCACCACGGCCTCGTGCCCGTGCTGGATGGCAGCCATCAGGGCTGTGATGTCCAAGG[G>C]CTCATCCCTGCTGCCGCCCAACCCCAGTTGCTCGCCTGAAGGGTGGTGATGGTCCACAAA-3'
Protein context (NP_775822.3, residues 179-199): QLGLGGSRDE[Pro189Ala]LDITALMAAI

ClinVar aggregate classification (germline): Conflicting classifications of pathogenicity. Review status: criteria provided, conflicting classifications (1 of 4 stars). 3 submissions from 3 submitters: Uncertain significance (2); Likely benign (1). Last evaluated 2024-12-27.

Conditions:
Nephronophthisis 16 (NPHP16). Identifiers: Orphanet 655, MedGen C3809320, MONDO:0014158, OMIM 615382.

Allele frequency attached by ClinVar (database versions not stated): TOPMed 0.00057; gnomAD 0.00057 and 0.00063; gnomAD exomes 0.00004 and 0.00013; ExAC 0.00015; ESP Exome Variant Server 0.00071.

Submissions (3):

Mayo Clinic Laboratories, Mayo Clinic
Classification: Likely benign. Last evaluated: 2024-12-27. Review status: criteria provided, single submitter. Criteria: ACMG Guidelines, 2015. Collection method: clinical testing. Allele origin: germline. Observed: 2 variant alleles.
Comment: BS1, BP4_moderate

GeneDx
Classification: Uncertain significance. Last evaluated: 2023-10-09. Review status: criteria provided, single submitter. Criteria: GeneDx Variant Classification Process June 2021. Collection method: clinical testing. Allele origin: germline. Affected: yes.
Comment: In silico analysis supports that this missense variant does not alter protein structure/function; Has not been previously published as pathogenic or benign to our knowledge

Labcorp Genetics (formerly Invitae), Labcorp
Classification: Uncertain significance for Nephronophthisis 16. Last evaluated: 2022-07-05. Review status: criteria provided, single submitter. Criteria: Invitae Variant Classification Sherloc (09022015). Collection method: clinical testing. Allele origin: germline.
Comment: This sequence change replaces proline, which is neutral and non-polar, with alanine, which is neutral and non-polar, at codon 189 of the ANKS6 protein (p.Pro189Ala). This variant is present in population databases (rs199653685, gnomAD 0.2%). This variant has not been reported in the literature in individuals affected with ANKS6-related conditions. ClinVar contains an entry for this variant (Variation ID: 1026632). Algorithms developed to predict the effect of missense changes on protein structure and function (SIFT, PolyPhen-2, Align-GVGD) all suggest that this variant is likely to be tolerated. In summary, the available evidence is currently insufficient to determine the role of this variant in disease. Therefore, it has been classified as a Variant of Uncertain Significance.